The following is an entry in ClinVar:

NM_001365999.1(SZT2):c.4624G>C (p.Asp1542His)

Gene: SZT2 (SZT2 subunit of KICSTOR complex; plus strand). Cytogenetic location: 1p34.2.
Variant type: single nucleotide variant.
Coding change: c.4624G>C on transcript NM_001365999.1 (MANE Select); coding-DNA position 4624, G replaced by C.
Protein change: p.Asp1542His; replaces aspartic acid 1542 with histidine.
Molecular consequence: missense variant.
Genome position (GRCh38, 1-based): chr1:43,430,639, G>C. VCF-style: chr1-43430639-G-C. GRCh37 (hg19) VCF-style: chr1-43896310-G-C.
Other names: c.4453G>C, p.Asp1485His (NM_015284.4); c.4453G>C (NM_015284.3); short protein forms D1485H, D1542H.
Identifiers: ClinVar variation 2144786 (VCV002144786.4), dbSNP rs764211945, ClinGen allele CA340022345.

ClinVar aggregate classification (germline): Uncertain significance. Review status: criteria provided, multiple submitters, no conflicts (2 of 4 stars). 2 submissions from 2 submitters: Uncertain significance (2). Last evaluated 2025-12-10.

Conditions:
Inborn genetic diseases. Identifiers: MedGen C0950123, MeSH D030342.

Submissions (2):

Ambry Genetics
Classification: Uncertain significance for Inborn genetic diseases. Last evaluated: 2025-12-10. Review status: criteria provided, single submitter. Criteria: Ambry Variant Classification Scheme 2023. Collection method: clinical testing. Allele origin: germline.

Labcorp Genetics (formerly Invitae), Labcorp
Classification: Uncertain significance. Last evaluated: 2022-08-19. Review status: criteria provided, single submitter. Criteria: Invitae Variant Classification Sherloc (09022015). Collection method: clinical testing. Allele origin: germline.
Comment: Algorithms developed to predict the effect of missense changes on protein structure and function are either unavailable or do not agree on the potential impact of this missense change (SIFT: "Deleterious"; PolyPhen-2: "Probably Damaging"; Align-GVGD: "Class C0"). Algorithms developed to predict the effect of sequence changes on RNA splicing suggest that this variant may create or strengthen a splice site. In summary, the available evidence is currently insufficient to determine the role of this variant in disease. Therefore, it has been classified as a Variant of Uncertain Significance. This variant has not been reported in the literature in individuals affected with SZT2-related conditions. This sequence change replaces aspartic acid, which is acidic and polar, with histidine, which is basic and polar, at codon 1485 of the SZT2 protein (p.Asp1485His). This variant is not present in population databases (gnomAD no frequency).